The following is an entry in ClinVar:

ClinVar aggregate classification (germline): Uncertain significance (1 of 4 stars; one submission).

Submission:

GeneDx
Classification: Uncertain significance. Last evaluated: 2025-02-14. Review status: criteria provided, single submitter. Criteria: GeneDx Variant Classification Process June 2021. Collection method: clinical testing. Allele origin: germline. Affected: yes.
Comment: Not observed at significant frequency in large population cohorts (gnomAD); In silico analysis supports that this missense variant has a deleterious effect on protein structure/function; Has not been previously published as pathogenic or benign to our knowledge

NM_000827.4(GRIA1):c.2005A>G (p.Thr669Ala)

Gene: GRIA1 (glutamate ionotropic receptor AMPA type subunit 1; plus strand). Cytogenetic location: 5q33.2.
Variant type: single nucleotide variant.
Coding change: c.2005A>G on transcript NM_000827.4 (MANE Select); coding-DNA position 2005, A replaced by G.
Protein change: p.Thr669Ala; replaces threonine 669 with alanine.
Molecular consequence: missense variant. On other transcripts: non-coding transcript variant (2).
Genome position (GRCh38, 1-based): chr5:153,764,615, A>G. VCF-style: chr5-153764615-A-G. GRCh37 (hg19) VCF-style: chr5-153144175-A-G.
Other names: c.2005A>G, p.Thr669Ala (NM_001114183.2); c.1765A>G, p.Thr589Ala (NM_001258019.2); c.1720A>G, p.Thr574Ala (NM_001258020.2); c.2035A>G, p.Thr679Ala (NM_001258021.2, NM_001258022.2); c.1798A>G, p.Thr600Ala (NM_001258023.1, NM_001364167.2); c.1837A>G, p.Thr613Ala (NM_001364165.2); c.2032A>G, p.Thr678Ala (NM_001364166.2); short protein forms T574A, T589A, T600A, T613A, T669A, T678A, T679A.
Identifiers: ClinVar variation 4075680 (VCV004075680.1).